The following is an entry in ClinVar:

ClinVar aggregate classification (germline): Uncertain significance (1 of 4 stars; one submission).

Submission:

Labcorp Genetics (formerly Invitae), Labcorp
Classification: Uncertain significance. Last evaluated: 2022-03-31. Review status: criteria provided, single submitter. Criteria: Invitae Variant Classification Sherloc (09022015). Collection method: clinical testing. Allele origin: germline.
Comment: In summary, the available evidence is currently insufficient to determine the role of this variant in disease. Therefore, it has been classified as a Variant of Uncertain Significance. Experimental studies and prediction algorithms are not available or were not evaluated, and the functional significance of this variant is currently unknown. This variant has not been reported in the literature in individuals affected with ATP1A1-related conditions. This variant is not present in population databases (gnomAD no frequency). This sequence change creates a premature translational stop signal (p.Arg1005*) in the ATP1A1 gene. While this is not anticipated to result in nonsense mediated decay, it is expected to disrupt the last 19 amino acid(s) of the ATP1A1 protein.

NM_000701.8(ATP1A1):c.3013A>T (p.Arg1005Ter)

Genes: ATP1A1 (ATPase Na+/K+ transporting subunit alpha 1; plus strand), ATP1A1-AS1 (ATP1A1 antisense RNA 1; minus strand). Cytogenetic location: 1p13.1.
Variant type: single nucleotide variant.
Coding change: c.3013A>T on transcript NM_000701.8 (MANE Select); coding-DNA position 3013, A replaced by T.
Protein change: p.Arg1005Ter; replaces arginine 1005 with a stop codon.
Molecular consequence: nonsense.
Genome position (GRCh38, 1-based): chr1:116,403,945, A>T. VCF-style: chr1-116403945-A-T. GRCh37 (hg19) VCF-style: chr1-116946567-A-T.
Other names: c.3013A>T, p.Arg1005Ter (NM_001160233.2); c.2920A>T, p.Arg974Ter (NM_001160234.2); short protein forms R974*, R1005*.
Identifiers: ClinVar variation 2119894 (VCV002119894.4), dbSNP rs2525907720, ClinGen allele CA341777434.